The following is an entry in ClinVar:

NM_000807.4(GABRA2):c.604_605delinsTT (p.Ala202Leu)

Gene: GABRA2 (gamma-aminobutyric acid type A receptor subunit alpha2; minus strand). Cytogenetic location: 4p12.
Variant type: Indel.
Coding change: c.604_605delinsTT on transcript NM_000807.4 (MANE Select); coding-DNA positions 604 to 605, GC replaced by TT.
Protein change: p.Ala202Leu; replaces alanine 202 with leucine.
Molecular consequence: missense variant.
Genome position (GRCh38, 1-based): chr4:46,305,666-46,305,667, GC replaced by AA on the plus strand (GC replaced by TT on the coding strand, the reverse complement: GABRA2 is on the minus strand). VCF-style: chr4-46305666-GC-AA. GRCh37 (hg19) VCF-style: chr4-46307683-GC-AA.
Other names: c.604_605delinsTT, p.Ala202Leu (NM_001377145.1, NM_001377146.1, NM_001377147.1 and 8 more transcripts); c.439_440delinsTT, p.Ala147Leu (NM_001286827.3, NM_001377152.1, NM_001377153.1 and 1 more transcripts); short protein forms A147L, A202L.
Identifiers: ClinVar variation 2714165 (VCV002714165.3), dbSNP rs2475645374, ClinGen allele CA2697546690.

ClinVar aggregate classification (germline): Uncertain significance (1 of 4 stars; one submission).

Submission:

Labcorp Genetics (formerly Invitae), Labcorp
Classification: Uncertain significance. Last evaluated: 2023-06-14. Review status: criteria provided, single submitter. Criteria: Invitae Variant Classification Sherloc (09022015). Collection method: clinical testing. Allele origin: germline.
Comment: In summary, the available evidence is currently insufficient to determine the role of this variant in disease. Therefore, it has been classified as a Variant of Uncertain Significance. An algorithm developed to predict the effect of missense changes on protein structure and function (PolyPhen-2) suggests that this variant is likely to be disruptive. This variant has not been reported in the literature in individuals affected with GABRA2-related conditions. Information on the frequency of this variant in the gnomAD database is not available, as this variant may be reported differently in the database. This sequence change replaces alanine, which is neutral and non-polar, with leucine, which is neutral and non-polar, at codon 202 of the GABRA2 protein (p.Ala202Leu).